The following is an entry in ClinVar:

ClinVar aggregate classification (germline): Uncertain significance (1 of 4 stars; one submission).

Conditions:
Hereditary cancer-predisposing syndrome. Also called: Tumor predisposition; Hereditary neoplastic syndrome; Hereditary Cancer Syndrome; Neoplastic Syndromes, Hereditary. Identifiers: Orphanet 140162, MedGen C0027672, MeSH D009386, MONDO:0015356.

Submission:

Ambry Genetics
Classification: Uncertain significance for Hereditary cancer-predisposing syndrome. Last evaluated: 2025-05-05. Review status: criteria provided, single submitter. Criteria: Ambry Variant Classification Scheme 2023. Collection method: clinical testing. Allele origin: germline.
Comment: The p.K1083* variant (also known as c.3247A>T), located in coding exon 26 of the POLE gene, results from an A to T substitution at nucleotide position 3247. This changes the amino acid from a lysine to a stop codon within coding exon 26. Although biallelic loss of function of POLE has been associated with autosomal recessive POLE deficiency, haploinsufficiency of POLE has not been established as a mechanism of disease for POLE-related polymerase proofreading-associated polyposis (PPAP) and POLE-related CMMRD-like syndrome. Based on the supporting evidence, this variant is expected to be causative of POLE deficiency when present along with a second pathogenic variant on the other allele; however, its clinical significance for PPAP and POLE-related CMMRD-like syndrome is unclear.

NM_006231.4(POLE):c.3247A>T (p.Lys1083Ter)

Gene: POLE (DNA polymerase epsilon, catalytic subunit; minus strand). Cytogenetic location: 12q24.33.
Variant type: single nucleotide variant.
Coding change: c.3247A>T on transcript NM_006231.4 (MANE Select); coding-DNA position 3247, A replaced by T.
Protein change: p.Lys1083Ter; replaces lysine 1083 with a stop codon.
Molecular consequence: nonsense.
Genome position (GRCh38, 1-based): chr12:132,659,323, T>A on the plus strand (A>T on the coding strand, the complement: POLE is on the minus strand). VCF-style: chr12-132659323-T-A. GRCh37 (hg19) VCF-style: chr12-133235909-T-A.
Other names: short protein forms K1083*.
Identifiers: ClinVar variation 3935629 (VCV003935629.1).